The following is an entry in ClinVar:

ClinVar aggregate classification (germline): Uncertain significance (1 of 4 stars; one submission).

Allele frequency attached by ClinVar (database versions not stated): TOPMed below 0.00001; gnomAD 0.00001.

Submission:

Labcorp Genetics (formerly Invitae), Labcorp
Classification: Uncertain significance. Last evaluated: 2023-08-16. Review status: criteria provided, single submitter. Criteria: Invitae Variant Classification Sherloc (09022015). Collection method: clinical testing. Allele origin: germline.
Comment: This variant occurs in a non-coding region of the PRPF4 gene. It does not change the encoded amino acid sequence of the PRPF4 protein. This variant is not present in population databases (gnomAD no frequency). This variant has not been reported in the literature in individuals affected with PRPF4-related conditions. In summary, the available evidence is currently insufficient to determine the role of this variant in disease. Therefore, it has been classified as a Variant of Uncertain Significance.

NC_000009.12:g.113275634A>G

Gene: PRPF4 (pre-mRNA splicing tri-snRNP complex factor PRPF4; plus strand). Cytogenetic location: 9q32.
Variant type: single nucleotide variant.
Genome position: GRCh38 VCF-style: chr9-113275634-A-G. GRCh37 (hg19) VCF-style: chr9-116037914-A-G.
Identifiers: ClinVar variation 2784359 (VCV002784359.3), dbSNP rs1446564584, ClinGen allele CA858876665.
Genomic context (GRCh38, chr9:113,275,634, plus strand): 5'-ACTTCCATCATGCTCCGCGCCGCTCCGGGGGCGGTGACCCCTCTTGGCCCACGTCTTGTC[A>G]GTGACGCACTTCCTGTCAGTGACGCACTTCCCCTCTGCTGGGCGCGCGGTGGACGGTCTG-3'